The following is an entry in ClinVar:

NM_001429.4(EP300):c.6822G>A (p.Gln2274=)

Gene: EP300 (E1A binding protein p300; plus strand). Cytogenetic location: 22q13.2.
Variant type: single nucleotide variant.
Coding change: c.6822G>A on transcript NM_001429.4 (MANE Select); coding-DNA position 6822, G replaced by A.
Protein change: p.Gln2274=; no amino-acid change (glutamine 2274 retained).
Molecular consequence: synonymous variant.
Genome position (GRCh38, 1-based): chr22:41,178,533, G>A. VCF-style: chr22-41178533-G-A. GRCh37 (hg19) VCF-style: chr22-41574537-G-A.
Other names: c.6744G>A, p.Gln2248= (NM_001362843.2).
Identifiers: ClinVar variation 3033993 (VCV003033993.2), dbSNP rs2145522425, ClinGen allele CA514794993.

ClinVar aggregate classification (germline): Likely benign (0 of 4 stars; one submission).

Conditions:
EP300-related disorder. Also called: EP300-related condition; EP300-related disorders.

Submission:

PreventionGenetics, part of Exact Sciences
Classification: Likely benign for EP300-related condition. Last evaluated: 2023-11-29. Review status: no assertion criteria provided. Collection method: clinical testing. Allele origin: germline.
Comment: This variant is classified as likely benign based on ACMG/AMP sequence variant interpretation guidelines (Richards et al. 2015 PMID: 25741868, with internal and published modifications).